The following is an entry in ClinVar:

ClinVar aggregate classification (germline): Pathogenic. Review status: reviewed by expert panel (3 of 4 stars). 23 submissions from 23 submitters: Pathogenic (1). 22 of the submissions do not count toward it. Last evaluated 2016-09-08.

Conditions:
Pancreatic cancer, susceptibility to, 2. Identifiers: Orphanet 1333, MedGen C3150546, MONDO:0013235, OMIM 613347.
Glioma susceptibility 3 (GLM3). Also called: Glioblastoma 3. Identifiers: Orphanet 182067, Orphanet 360, MedGen C2751641, MONDO:0013093, OMIM 613029.
Familial prostate cancer. Also called: Hereditary Prostate Cancer. Identifiers: MedGen C2931456, MONDO:0700275, OMIM 176807.
Breast-ovarian cancer, familial, susceptibility to, 2 (BROVCA2). Also called: BRCA2 Hereditary Breast and Ovarian Cancer. Identifiers: Orphanet 145, MedGen C2675520, MONDO:0012933, OMIM 612555. Disease mechanism: loss of function.
Fanconi anemia complementation group D1. Also called: BRCA2-Related Fanconi Anemia. Identifiers: Orphanet 319462, MedGen C1838457, MONDO:0011584, OMIM 605724.
Medulloblastoma (MDB). Also called: Medulloblastoma, somatic; MEDULLOBLASTOMA PREDISPOSITION SYNDROME. Identifiers: Orphanet 616, MedGen C0025149, MeSH D008527, MONDO:0007959, OMIM 155255, HP:0002885.
Wilms tumor 1 (WT1). Also called: Wilms tumor, somatic. Identifiers: Orphanet 654, MedGen CN033288, MONDO:0008679, OMIM 194070.
Familial cancer of breast. Also called: BREAST CANCER, FAMILIAL; hereditary breast carcinoma; Hereditary breast cancer. Identifiers: Orphanet 227535, MedGen C0346153, MONDO:0016419, OMIM 114480. Disease mechanism: loss of function.
Breast and/or ovarian cancer. Identifiers: MedGen CN221562.
Hereditary cancer-predisposing syndrome. Also called: Neoplastic Syndromes, Hereditary; Tumor predisposition; Hereditary Cancer Syndrome; Hereditary neoplastic syndrome. Identifiers: Orphanet 140162, MedGen C0027672, MeSH D009386, MONDO:0015356.
Hereditary breast ovarian cancer syndrome. Also called: Breast and ovarian cancer; Hereditary breast and ovarian cancer; Hereditary breast and ovarian cancer syndrome (HBOC); Hereditary breast and ovarian cancer syndrome; BRCA1- and BRCA2-Associated Hereditary Breast and Ovarian Cancer; Hereditary breast and/or ovarian cancer syndrome. Identifiers: Orphanet 145, MedGen C0677776, MeSH D061325, MONDO:0003582. Disease mechanism: loss of function.
Malignant tumor of breast. Also called: Cancer breast; Malignant breast neoplasm. Identifiers: MedGen C0006142, MONDO:0007254. Disease mechanism: loss of function.

Submissions 1 to 9 of 23:

Evidence-based Network for the Interpretation of Germline Mutant Alleles (ENIGMA)
Classification: Pathogenic for Breast-ovarian cancer, familial, susceptibility to, 2. Last evaluated: 2016-09-08. Review status: reviewed by expert panel. Criteria: ENIGMA BRCA1/2 Classification Criteria (2015). Collection method: curation. Allele origin: germline.
Comment: Variant allele predicted to encode a truncated non-functional protein.

Labcorp Genetics (formerly Invitae), Labcorp
Classification: Pathogenic for Hereditary breast ovarian cancer syndrome. Last evaluated: 2026-01-20. Review status: criteria provided, single submitter. Criteria: Invitae Variant Classification Sherloc (09022015). Collection method: clinical testing. Allele origin: germline. Not counted in ClinVar's aggregate classification.
Comment: This sequence change creates a premature translational stop signal (p.Asn986Lysfs*2) in the BRCA2 gene. It is expected to result in an absent or disrupted protein product. Loss-of-function variants in BRCA2 are known to be pathogenic (PMID: 20104584). This variant is not present in population databases (gnomAD no frequency). This premature translational stop signal has been observed in individual(s) with a personal or family history of breast or ovarian cancer (PMID: 16683254, 24156927, 26219728). ClinVar contains an entry for this variant (Variation ID: 51378). For these reasons, this variant has been classified as Pathogenic.

Quest Diagnostics Nichols Institute San Juan Capistrano
Classification: Pathogenic. Last evaluated: 2025-09-24. Review status: criteria provided, single submitter. Criteria: Quest Diagnostics criteria. Collection method: clinical testing. Allele origin: unknown. Not counted in ClinVar's aggregate classification.
Comment: The BRCA2 c.2957dup (p.Asn986Lysfs*2) variant alters the translational reading frame of the BRCA2 mRNA and causes the premature termination of BRCA2 protein synthesis. This variant has been reported in the published literature in individuals with a personal or family history of breast and/or ovarian cancer (PMID: 32318955 (2020), 30322717 (2018), 26219728 (2016),16683254 (2006)), prostate cancer (PMID: 36623239 (2023)), and pancreatic cancer (PMID: 32073954 (2020)). This variant has not been reported in large, multi-ethnic general populations (Genome Aggregation Database). Based on the available information, this variant is classified as pathogenic.

Ambry Genetics
Classification: Pathogenic for Hereditary cancer-predisposing syndrome. Last evaluated: 2025-09-09. Review status: criteria provided, single submitter. Criteria: Ambry Variant Classification Scheme 2023. Collection method: clinical testing. Allele origin: germline. Not counted in ClinVar's aggregate classification.
Comment: The c.2957dupA pathogenic mutation, located in coding exon 10 of the BRCA2 gene, results from a duplication of A at nucleotide position 2957, causing a translational frameshift with a predicted alternate stop codon (p.N986Kfs*2). This variant was reported in at least one individual undergoing genetic testing based on a personal and/or family history of HBOC-related disease (van der Hout AH et al. Hum Mutat, 2006 Jul;27:654-66; Tea MK et al. Maturitas, 2014 Jan;77:68-72; Finch A et al. Clin Genet, 2016 Mar;89:304-11). This alteration was identified in a large, worldwide study of BRCA1/2 mutation positive families (Rebbeck TR et al. Hum Mutat, 2018 May;39:593-620). This variant is considered to be rare based on population cohorts in the Genome Aggregation Database (gnomAD). This alteration is expected to result in loss of function by premature protein truncation or nonsense-mediated mRNA decay. As such, this alteration is interpreted as a disease-causing mutation.

GeneKor MSA
Classification: Pathogenic for Hereditary breast ovarian cancer syndrome. Last evaluated: 2025-06-25. Review status: criteria provided, single submitter. Criteria: ACMG Guidelines, 2015. Collection method: clinical testing. Allele origin: germline. Affected: yes. Not counted in ClinVar's aggregate classification.
Comment: This is a single nucleotide duplication in exon 11 of the BRCA2 mRNA c.(2957dupA), causing a frameshift after codon 986. This creates a premature translational stop signal 2 amino acid residues later- p.(Asn986Lysfs*2). It is expected to result in an absent or disrupted protein product. Truncating variants in BRCA2 are known to be pathogenic (PMID:20104584). This alteration is not present in population databases (rs80359365). This variant has been observed in individuals affected with a personal or family history of breast, ovarian, prostate and pancreatic cancer (PMID:16683254, 24156927, 26219728, 29446198, 32918181). The mutation database ClinVar contains entries for this variant where it is listed as pathogenic (VCV000051378.54). For these reasons this variant has been classified as pathogenic. Based on the classification criteria set by the ACMG and AMP (PMID:25741868) this variant has been classified as pathogenic.

Color Diagnostics, LLC DBA Color Health
Classification: Pathogenic for Hereditary cancer-predisposing syndrome. Last evaluated: 2024-08-06. Review status: criteria provided, single submitter. Criteria: ACMG Guidelines, 2015. Collection method: clinical testing. Allele origin: germline. Not counted in ClinVar's aggregate classification.
Comment: This variant inserts 1 nucleotide in exon 11 of the BRCA2 gene, creating a frameshift and premature translation stop signal. This variant is expected to result in an absent or non-functional protein product. This variant has been reported in individuals with a personal or family history of breast, ovarian, pancreatic, or prostate cancer (PMID: 16683254, 24156927, 26219728, 29446198, 32918181) and in an unaffected individual (PMID: 33471991; Leiden Open Variation Database DB-ID BRCA2_001395). This variant has not been identified in the general population by the Genome Aggregation Database (gnomAD). Loss of BRCA2 function is a known mechanism of disease. Based on the available evidence, this variant is classified as Pathogenic.

Institute of Human Genetics, University of Leipzig Medical Center
Classification: Pathogenic for Breast-ovarian cancer, familial, susceptibility to, 2. Last evaluated: 2024-07-10. Review status: criteria provided, single submitter. Criteria: ACMG Guidelines, 2015. Collection method: clinical testing. Allele origin: unknown. Inheritance: Autosomal dominant inheritance. Affected: yes. Not counted in ClinVar's aggregate classification.
Comment: Criteria applied: PVS1,PS4_MOD,PM2_SUP,

German Consortium for Hereditary Breast and Ovarian Cancer, University Hospital Cologne
Classification: Pathogenic for Hereditary breast ovarian cancer syndrome. Last evaluated: 2024-05-28. Review status: criteria provided, single submitter. Criteria: ClinGen BRCA2 V1.0.0. Collection method: curation. Allele origin: germline. Not counted in ClinVar's aggregate classification.
Comment: According to the ClinGen ENIGMA BRCA2 v1.0.0 criteria we chose these criteria: PVS1 (very strong pathogenic): Null variant (nonsense, frameshift, splice site (donor/acceptor +/-1,2), initiation codon, single or multi-exon deletion) in a gene where loss of function (LOF) is a known mechanism, PM2 (supporting pathogenic): not in gnomAD, PM5 (medium pathogenic): See ENIGMA Specifications Table 4 for PM5_PTC code strengths applicable per exon (PM5_PTC_S)

Fulgent Genetics
Classification: Pathogenic for Familial cancer of breast; Medulloblastoma; Familial prostate cancer; Wilms tumor 1; Fanconi anemia complementation group D1; Breast-ovarian cancer, familial, susceptibility to, 2; Glioma susceptibility 3; Pancreatic cancer, susceptibility to, 2. Last evaluated: 2024-04-07. Review status: criteria provided, single submitter. Criteria: ACMG Guidelines, 2015. Collection method: clinical testing. Allele origin: germline. Not counted in ClinVar's aggregate classification.

NM_000059.4(BRCA2):c.2957dup (p.Asn986fs)

Gene: BRCA2 (BRCA2 DNA repair associated; plus strand). Cytogenetic location: 13q13.1.
Variant type: Duplication.
Coding change: c.2957dup on transcript NM_000059.4 (MANE Select); coding-DNA position 2957, one base duplicated (A; older notation c.2957dupA).
Protein change: p.Asn986fs; shifts the reading frame from asparagine 986.
Molecular consequence: frameshift variant.
Genome position (GRCh38, 1-based): chr13:32,337,312, A duplicated; the last of 7 consecutive A bases (chr13:32,337,306-32,337,312); duplicating any one gives the same sequence. VCF-style (leftmost placement, unchanged base first): chr13-32337305-G-GA. GRCh37 (hg19) VCF-style: chr13-32911442-G-GA.
Other names: 3185insA; c.2957dupA (NM_000059.3); c.2951dupA (NM_000059.3); short protein forms N986fs.
Identifiers: ClinVar variation 51378 (VCV000051378.67), dbSNP rs80359365, ClinGen allele CA016881.